The following is an entry in ClinVar:

ClinVar aggregate classification (germline): Uncertain significance. Review status: criteria provided, multiple submitters, no conflicts (2 of 4 stars). 2 submissions from 2 submitters: Uncertain significance (2). Last evaluated 2025-01-13.

Conditions:
Ullrich congenital muscular dystrophy 2 (UCMD2). Identifiers: Orphanet 75840, MedGen C4225314, MONDO:0014654, OMIM 616470.
Bethlem myopathy 2 (BTHLM2). Identifiers: Orphanet 536516, Orphanet 610, MedGen C4225313, MONDO:0034022, OMIM 616471.
Inborn genetic diseases. Identifiers: MedGen C0950123, MeSH D030342.

Allele frequency attached by ClinVar (database versions not stated): gnomAD 0.00004; TOPMed 0.00003.
gnomAD v4.1: 7 of 1,608,162 alleles (0.00044%); highest among the groups gnomAD compares: African/African-American, 0.0093%; no homozygotes.

Submissions (2):

Labcorp Genetics (formerly Invitae), Labcorp
Classification: Uncertain significance for Bethlem myopathy 2; Ullrich congenital muscular dystrophy 2. Last evaluated: 2025-01-13. Review status: criteria provided, single submitter. Criteria: Invitae Variant Classification Sherloc (09022015). Collection method: clinical testing. Allele origin: germline.
Comment: This sequence change replaces glutamic acid, which is acidic and polar, with valine, which is neutral and non-polar, at codon 1561 of the COL12A1 protein (p.Glu1561Val). This variant is not present in population databases (gnomAD no frequency). This variant has not been reported in the literature in individuals affected with COL12A1-related conditions. ClinVar contains an entry for this variant (Variation ID: 1449814). Invitae Evidence Modeling of protein sequence and biophysical properties (such as structural, functional, and spatial information, amino acid conservation, physicochemical variation, residue mobility, and thermodynamic stability) indicates that this missense variant is not expected to disrupt COL12A1 protein function with a negative predictive value of 80%. Algorithms developed to predict the effect of sequence changes on RNA splicing suggest that this variant may create or strengthen a splice site. In summary, the available evidence is currently insufficient to determine the role of this variant in disease. Therefore, it has been classified as a Variant of Uncertain Significance.

Ambry Genetics
Classification: Uncertain significance for Inborn genetic diseases. Last evaluated: 2021-08-12. Review status: criteria provided, single submitter. Criteria: Ambry Variant Classification Scheme 2023. Collection method: clinical testing. Allele origin: germline.

NM_004370.6(COL12A1):c.4682A>T (p.Glu1561Val)

Gene: COL12A1 (collagen type XII alpha 1 chain; minus strand). Cytogenetic location: 6q13.
Variant type: single nucleotide variant.
Coding change: c.4682A>T on transcript NM_004370.6 (MANE Select); coding-DNA position 4682, A replaced by T.
Protein change: p.Glu1561Val; replaces glutamic acid 1561 with valine.
Molecular consequence: missense variant.
Genome position (GRCh38, 1-based): chr6:75,145,334, T>A on the plus strand (A>T on the coding strand, the complement: COL12A1 is on the minus strand). VCF-style: chr6-75145334-T-A. GRCh37 (hg19) VCF-style: chr6-75855050-T-A.
Other names: c.1190A>T, p.Glu397Val (NM_080645.3); c.4682A>T (NM_004370.5); short protein forms E1561V, E397V.
Identifiers: ClinVar variation 1449814 (VCV001449814.9), dbSNP rs944222774, ClinGen allele CA141000546.